The following is an entry in ClinVar:

ClinVar aggregate classification (germline): Uncertain significance (1 of 4 stars; one submission).

Conditions:
FECH-related disorder. Also called: FECH-related condition.

gnomAD v4.1: 26 of 1,614,082 alleles (0.0016%); highest among the groups gnomAD compares: South Asian, 0.0033%; no homozygotes.

Submission:

PreventionGenetics, part of Exact Sciences
Classification: Uncertain significance for FECH-related condition. Last evaluated: 2025-06-19. Review status: criteria provided, single submitter. Criteria: ACMG Guidelines, 2015. Collection method: clinical testing. Allele origin: germline.
Comment: The FECH c.1031C>T variant is predicted to result in the amino acid substitution p.Thr344Met. To our knowledge, this variant has not been reported in the literature. This variant is reported in 0.0065% of alleles in individuals of South Asian descent in gnomAD. At this time, the clinical significance of this variant is uncertain due to the absence of conclusive functional and genetic evidence.

NM_000140.5(FECH):c.1031C>T (p.Thr344Met)

Gene: FECH (ferrochelatase; minus strand). Cytogenetic location: 18q21.31.
Variant type: single nucleotide variant.
Coding change: c.1031C>T on transcript NM_000140.5 (MANE Select); coding-DNA position 1031, C replaced by T.
Protein change: p.Thr344Met; replaces threonine 344 with methionine.
Molecular consequence: missense variant.
Genome position (GRCh38, 1-based): chr18:57,554,306, G>A on the plus strand (C>T on the coding strand, the complement: FECH is on the minus strand). VCF-style: chr18-57554306-G-A. GRCh37 (hg19) VCF-style: chr18-55221538-G-A.
Other names: c.1049C>T, p.Thr350Met (NM_001012515.4); c.932C>T, p.Thr311Met (NM_001371094.1); c.815C>T, p.Thr272Met (NM_001371095.1); c.1031C>T, p.Thr344Met (NM_001374778.1); short protein forms T311M, T272M, T350M, T344M.
Identifiers: ClinVar variation 4977624 (VCV004977624.1).